The following is an entry in ClinVar:

ClinVar aggregate classification (germline): Benign/Likely benign. Review status: criteria provided, multiple submitters, no conflicts (2 of 4 stars). 2 submissions from 2 submitters: Benign (1); Likely benign (1). Last evaluated 2020-12-22.

Allele frequency attached by ClinVar (database versions not stated): 1000 Genomes Project 0.00759; TOPMed 0.00677; gnomAD 0.00590; ESP Exome Variant Server 0.00777; 1000 Genomes Project 30x 0.00859.
gnomAD v4.1: 1,766 of 1,613,468 alleles (0.11%); highest among the groups gnomAD compares: African/African-American, 2.1%; 24 homozygotes.

Submissions (2):

GeneDx
Classification: Likely benign. Last evaluated: 2020-12-22. Review status: criteria provided, single submitter. Criteria: GeneDx Variant Classification Process June 2021. Collection method: clinical testing. Allele origin: germline. Affected: yes.
Comment: This variant is associated with the following publications: (PMID: 26215504)

Labcorp Genetics (formerly Invitae), Labcorp
Classification: Benign. Last evaluated: 2019-12-31. Review status: criteria provided, single submitter. Criteria: Invitae Variant Classification Sherloc (09022015). Collection method: clinical testing. Allele origin: germline.

NM_007118.4(TRIO):c.4837G>A (p.Ala1613Thr)

Gene: TRIO (trio Rho guanine nucleotide exchange factor; plus strand). Cytogenetic location: 5p15.2.
Variant type: single nucleotide variant.
Coding change: c.4837G>A on transcript NM_007118.4 (MANE Select); coding-DNA position 4837, G replaced by A.
Protein change: p.Ala1613Thr; replaces alanine 1613 with threonine.
Molecular consequence: missense variant. On other transcripts: non-coding transcript variant (1).
Genome position (GRCh38, 1-based): chr5:14,405,968, G>A. VCF-style: chr5-14405968-G-A. GRCh37 (hg19) VCF-style: chr5-14406077-G-A.
Other names: short protein forms A1613T.
Identifiers: ClinVar variation 790012 (VCV000790012.5), dbSNP rs16903474, ClinGen allele CA3206583.
Genomic context (GRCh38, chr5:14,405,968, plus strand): 5'-CGGACGATCCACCTGAAGGGAGCCCTGAAGGAGCCCATTCACATCCCTAAGACCGCTCCC[G>A]CCACAAGACAGAAGGGAAGGAGGTGCGTGTCTGGGCGCCACTGGAGGTTTGTGGATGTGG-3'
Protein context (NP_009049.2, residues 1603-1623): EPIHIPKTAP[Ala1613Thr]TRQKGRRDGE